The following is an entry in ClinVar:

NM_006361.6(HOXB13):c.457G>C (p.Gly153Arg)

Gene: HOXB13 (homeobox B13; minus strand). Cytogenetic location: 17q21.32.
Variant type: single nucleotide variant.
Coding change: c.457G>C on transcript NM_006361.6 (MANE Select); coding-DNA position 457, G replaced by C.
Protein change: p.Gly153Arg; replaces glycine 153 with arginine.
Molecular consequence: missense variant.
Genome position (GRCh38, 1-based): chr17:48,728,137, C>G on the plus strand (G>C on the coding strand, the complement: HOXB13 is on the minus strand). VCF-style: chr17-48728137-C-G. GRCh37 (hg19) VCF-style: chr17-46805499-C-G.
Other names: short protein forms G153R.
Identifiers: ClinVar variation 1062795 (VCV001062795.9), dbSNP rs754280897, ClinGen allele CA400107415.

ClinVar aggregate classification (germline): Uncertain significance (1 of 4 stars; one submission).

Submission:

Labcorp Genetics (formerly Invitae), Labcorp
Classification: Uncertain significance. Last evaluated: 2020-11-19. Review status: criteria provided, single submitter. Criteria: Invitae Variant Classification Sherloc (09022015). Collection method: clinical testing. Allele origin: germline.
Comment: In summary, the available evidence is currently insufficient to determine the role of this variant in disease. Therefore, it has been classified as a Variant of Uncertain Significance. Algorithms developed to predict the effect of missense changes on protein structure and function are either unavailable or do not agree on the potential impact of this missense change (SIFT: "Deleterious"; PolyPhen-2: "Probably Damaging"; Align-GVGD: "Class C0"). This variant has not been reported in the literature in individuals with HOXB13-related conditions. This variant is not present in population databases (ExAC no frequency). This sequence change replaces glycine with arginine at codon 153 of the HOXB13 protein (p.Gly153Arg). The glycine residue is highly conserved and there is a moderate physicochemical difference between glycine and arginine.